The following is an entry in ClinVar:

ClinVar aggregate classification (germline): Uncertain significance. Review status: criteria provided, multiple submitters, no conflicts (2 of 4 stars). 2 submissions from 2 submitters: Uncertain significance (2). Last evaluated 2024-03-12.

Conditions:
Dyskeratosis congenita, autosomal recessive 5 (DKCB5). Identifiers: MedGen C3554656, MONDO:0014076, OMIM 615190.
Pulmonary fibrosis and/or bone marrow failure, Telomere-related, 3. Also called: PULMONARY FIBROSIS AND/OR BONE MARROW FAILURE SYNDROME, TELOMERE-RELATED, 3. Identifiers: Orphanet 2032, MedGen C4225346, MONDO:0014613, OMIM 616373.

Submissions (2):

Labcorp Genetics (formerly Invitae), Labcorp
Classification: Uncertain significance for Dyskeratosis congenita, autosomal recessive 5; Pulmonary fibrosis and/or bone marrow failure, Telomere-related, 3. Last evaluated: 2024-03-12. Review status: criteria provided, single submitter. Criteria: Invitae Variant Classification Sherloc (09022015). Collection method: clinical testing. Allele origin: germline.
Comment: This sequence change replaces arginine, which is basic and polar, with proline, which is neutral and non-polar, at codon 574 of the RTEL1 protein (p.Arg574Pro). This variant is present in population databases (no rsID available, gnomAD 0.003%). This variant has not been reported in the literature in individuals affected with RTEL1-related conditions. An algorithm developed to predict the effect of missense changes on protein structure and function (PolyPhen-2) suggests that this variant is likely to be disruptive. In summary, the available evidence is currently insufficient to determine the role of this variant in disease. Therefore, it has been classified as a Variant of Uncertain Significance.

GeneDx
Classification: Uncertain significance. Last evaluated: 2023-06-08. Review status: criteria provided, single submitter. Criteria: GeneDx Variant Classification Process June 2021. Collection method: clinical testing. Allele origin: germline. Affected: yes.
Comment: Not observed at significant frequency in large population cohorts (gnomAD); In silico analysis supports that this missense variant has a deleterious effect on protein structure/function; Has not been previously published as pathogenic or benign to our knowledge

NM_001283009.2(RTEL1):c.1721G>C (p.Arg574Pro)

Genes: RTEL1 (regulator of telomere elongation helicase 1; plus strand), RTEL1-TNFRSF6B (RTEL1-TNFRSF6B readthrough (NMD candidate); plus strand). Cytogenetic location: 20q13.33.
Variant type: single nucleotide variant.
Coding change: c.1721G>C on transcript NM_001283009.2 (MANE Select); coding-DNA position 1721, G replaced by C.
Protein change: p.Arg574Pro; replaces arginine 574 with proline.
Molecular consequence: missense variant. On other transcripts: non-coding transcript variant (1).
Genome position (GRCh38, 1-based): chr20:63,688,385, G>C. VCF-style: chr20-63688385-G-C. GRCh37 (hg19) VCF-style: chr20-62319738-G-C.
Other names: c.1052G>C, p.Arg351Pro (NM_001283010.1); c.1721G>C, p.Arg574Pro (NM_016434.4); c.1793G>C, p.Arg598Pro (NM_032957.5); c.1793G>C (NM_032957.4); short protein forms R598P, R351P, R574P.
Identifiers: ClinVar variation 2928107 (VCV002928107.4), dbSNP rs376751622, ClinGen allele CA317511191.